The following is an entry in ClinVar:

NM_000138.5(FBN1):c.6625G>T (p.Glu2209Ter)

Gene: FBN1 (fibrillin 1; minus strand). Cytogenetic location: 15q21.1.
Variant type: single nucleotide variant.
Coding change: c.6625G>T on transcript NM_000138.5 (MANE Select); coding-DNA position 6625, G replaced by T.
Protein change: p.Glu2209Ter; replaces glutamic acid 2209 with a stop codon.
Molecular consequence: nonsense.
Genome position (GRCh38, 1-based): chr15:48,432,980, C>A on the plus strand (G>T on the coding strand, the complement: FBN1 is on the minus strand). VCF-style: chr15-48432980-C-A. GRCh37 (hg19) VCF-style: chr15-48725177-C-A.
Other names: short protein forms E2209*.
Identifiers: ClinVar variation 280702 (VCV000280702.2), dbSNP rs886041859, ClinGen allele CA10603334.
Genomic context (GRCh38, chr15:48,432,980, plus strand): 5'-CATATGACCCATAAGTGTTCACACATCGGAAGGCACAGAGCAGAGGATTCTGGGCACATT[C>A]ATTTATATCTGCAGCAGAGGAGAGTAAGTAAATAAGGGATCATGGACAGCAACAAAAGGG-3'

ClinVar aggregate classification (germline): Pathogenic (1 of 4 stars; one submission).

Submission:

GeneDx
Classification: Pathogenic. Last evaluated: 2016-07-14. Review status: criteria provided, single submitter. Criteria: GeneDx Variant Classification (06012015). Collection method: clinical testing. Allele origin: germline. Affected: yes.
Comment: The E2209X pathogenic variant in the FBN1 gene has not been reported previously as a pathogenic variant nor as a benign variant, to our knowledge. This variant is predicted to cause loss of normal protein function either through protein truncation or nonsense-mediated mRNA decay. The E2209X variant was not observed in approximately 6,500 individuals of European and African American ancestry in the NHLBI Exome Sequencing Project, indicating it is not a common benign variant in these populations. Therefore, based on the ACMG recommendations, E2209X is interpreted as an expected pathogenic sequence change.